The following is an entry in ClinVar:

ClinVar aggregate classification (germline): Uncertain significance (1 of 4 stars; one submission).

Allele frequency attached by ClinVar (database versions not stated): gnomAD exomes below 0.00001; gnomAD 0.00001.
gnomAD v4.1: 7 of 1,544,820 alleles (0.00045%); highest among the groups gnomAD compares: Non-Finnish European, 0.00061%; no homozygotes.

Submission:

Labcorp Genetics (formerly Invitae), Labcorp
Classification: Uncertain significance. Last evaluated: 2022-12-30. Review status: criteria provided, single submitter. Criteria: Invitae Variant Classification Sherloc (09022015). Collection method: clinical testing. Allele origin: germline.
Comment: This sequence change replaces arginine, which is basic and polar, with lysine, which is basic and polar, at codon 986 of the WDR87 protein (p.Arg986Lys). This variant is not present in population databases (gnomAD no frequency). This variant has not been reported in the literature in individuals affected with WDR87-related conditions. Algorithms developed to predict the effect of missense changes on protein structure and function output the following: SIFT: "Tolerated"; PolyPhen-2: "Benign"; Align-GVGD: "Class C0". The lysine amino acid residue is found in multiple mammalian species, which suggests that this missense change does not adversely affect protein function. In summary, the available evidence is currently insufficient to determine the role of this variant in disease. Therefore, it has been classified as a Variant of Uncertain Significance.

NM_001291088.2(WDR87):c.3074G>A (p.Arg1025Lys)

Gene: WDR87 (WD repeat domain 87; minus strand). Cytogenetic location: 19q13.13.
Variant type: single nucleotide variant.
Coding change: c.3074G>A on transcript NM_001291088.2 (MANE Select); coding-DNA position 3074, G replaced by A.
Protein change: p.Arg1025Lys; replaces arginine 1025 with lysine.
Molecular consequence: missense variant.
Genome position (GRCh38, 1-based): chr19:37,892,629, C>T on the plus strand (G>A on the coding strand, the complement: WDR87 is on the minus strand). VCF-style: chr19-37892629-C-T. GRCh37 (hg19) VCF-style: chr19-38383269-C-T.
Other names: c.2957G>A, p.Arg986Lys (NM_031951.5); short protein forms R986K, R1025K.
Identifiers: ClinVar variation 3003032 (VCV003003032.3), dbSNP rs2046215508, ClinGen allele CA405613887.
Genomic context (GRCh38, chr19:37,892,629, plus strand): 5'-CAAACTTACTGCATCTCCCGAAAAGTCTCTTGTTTTTGGGTCAGCTGTAAGAGTGAGGTC[C>T]TAGAGTGGATTCCAATCTCAGCCATGAGGCTTAGGGTCTTGATCCTCACTCTTTCATCCT-3'
Protein context (NP_001278017.1, residues 1015-1035): SLMAEIGIHS[Arg1025Lys]TSLLQLTQKQ